The following is an entry in ClinVar:

NM_000553.6(WRN):c.3608G>A (p.Gly1203Asp)

Gene: WRN (WRN RecQ like helicase; plus strand). Cytogenetic location: 8p12.
Variant type: single nucleotide variant.
Coding change: c.3608G>A on transcript NM_000553.6 (MANE Select); coding-DNA position 3608, G replaced by A.
Protein change: p.Gly1203Asp; replaces glycine 1203 with aspartic acid.
Molecular consequence: missense variant.
Genome position (GRCh38, 1-based): chr8:31,150,376, G>A. VCF-style: chr8-31150376-G-A. GRCh37 (hg19) VCF-style: chr8-31007892-G-A.
Other names: short protein forms G1203D.
Identifiers: ClinVar variation 1345170 (VCV001345170.6), dbSNP rs2130454089, ClinGen allele CA370927561.

ClinVar aggregate classification (germline): Uncertain significance (1 of 4 stars; one submission).

Conditions:
Werner syndrome (WRN). Identifiers: Orphanet 902, MedGen C0043119, MONDO:0010196, OMIM 277700.

Submission:

Labcorp Genetics (formerly Invitae), Labcorp
Classification: Uncertain significance for Werner syndrome. Last evaluated: 2020-11-10. Review status: criteria provided, single submitter. Criteria: Invitae Variant Classification Sherloc (09022015). Collection method: clinical testing. Allele origin: germline.
Comment: In summary, the available evidence is currently insufficient to determine the role of this variant in disease. Therefore, it has been classified as a Variant of Uncertain Significance. Algorithms developed to predict the effect of missense changes on protein structure and function are either unavailable or do not agree on the potential impact of this missense change (SIFT: "Not Available"; PolyPhen-2: "Probably Damaging"; Align-GVGD: "Not Available"). This variant has not been reported in the literature in individuals with WRN-related conditions. This variant is not present in population databases (ExAC no frequency). This sequence change replaces glycine with aspartic acid at codon 1203 of the WRN protein (p.Gly1203Asp). The glycine residue is highly conserved and there is a moderate physicochemical difference between glycine and aspartic acid.